The following is an entry in ClinVar:

NM_001378183.1(PIEZO2):c.1378+1G>A

Gene: PIEZO2 (piezo type mechanosensitive ion channel component 2; minus strand). Cytogenetic location: 18p11.22.
Variant type: single nucleotide variant.
Coding change: c.1378+1G>A on transcript NM_001378183.1 (MANE Select); the canonical splice donor site of the intron after coding-DNA position 1378, G replaced by A.
Molecular consequence: splice donor variant.
Genome position (GRCh38, 1-based): chr18:10,800,336, C>T on the plus strand (G>A on the coding strand, the complement: PIEZO2 is on the minus strand). VCF-style: chr18-10800336-C-T. GRCh37 (hg19) VCF-style: chr18-10800334-C-T.
Other names: c.1378+1G>A (NM_022068.4, NM_001410871.1).
Identifiers: ClinVar variation 1910452 (VCV001910452.5), dbSNP rs1360897161, ClinGen allele CA401925086.

ClinVar aggregate classification (germline): Likely pathogenic (1 of 4 stars; one submission).

Allele frequency attached by ClinVar (database versions not stated): gnomAD 0.00001; TOPMed below 0.00001.
gnomAD v4.1: 9 of 1,534,052 alleles (0.00059%); highest among the groups gnomAD compares: Non-Finnish European, 0.00079%; no homozygotes.

Submission:

Labcorp Genetics (formerly Invitae), Labcorp
Classification: Likely pathogenic. Last evaluated: 2022-09-20. Review status: criteria provided, single submitter. Criteria: Invitae Variant Classification Sherloc (09022015). Collection method: clinical testing. Allele origin: germline.
Comment: This sequence change affects a donor splice site in intron 11 of the PIEZO2 gene. It is expected to disrupt RNA splicing. Variants that disrupt the donor or acceptor splice site typically lead to a loss of protein function (PMID: 16199547), and loss-of-function variants in PIEZO2 are known to be pathogenic (PMID: 27653382, 27843126). This variant is present in population databases (no rsID available, gnomAD 0.002%). This variant has not been reported in the literature in individuals affected with PIEZO2-related conditions. Algorithms developed to predict the effect of sequence changes on RNA splicing suggest that this variant may disrupt the consensus splice site. In summary, the currently available evidence indicates that the variant is pathogenic, but additional data are needed to prove that conclusively. Therefore, this variant has been classified as Likely Pathogenic.

Literature cited by the submitters: PubMed 16199547; PubMed 27653382; PubMed 27843126.